The following is an entry in ClinVar:

ClinVar aggregate classification (germline): Uncertain significance. Review status: criteria provided, multiple submitters, no conflicts (2 of 4 stars). 2 submissions from 2 submitters: Uncertain significance (2). Last evaluated 2024-12-05.

Conditions:
Melanoma, cutaneous malignant, susceptibility to, 8. Also called: MELANOMA AND RENAL CELL CARCINOMA, SUSCEPTIBILITY TO; Cutaneous malignant melanoma 8. Identifiers: Orphanet 293822, MedGen C3152204, MONDO:0013759, OMIM 614456.
Tietz syndrome (TADS). Also called: ALBINISM-DEAFNESS OF TIETZ; HYPOPIGMENTATION/DEAFNESS OF TIETZ; TIETZ ALBINISM-DEAFNESS SYNDROME. Identifiers: Orphanet 42665, MedGen C0391816, MONDO:0007077, OMIM 103500.
Waardenburg syndrome type 2A (WS2A). Also called: WAARDENBURG SYNDROME WITHOUT DYSTOPIA CANTHORUM. Identifiers: Orphanet 3440, MedGen C1860339, MONDO:0008671, OMIM 193510.
Hereditary cancer-predisposing syndrome. Also called: Hereditary Cancer Syndrome; Neoplastic Syndromes, Hereditary; Tumor predisposition; Hereditary neoplastic syndrome. Identifiers: Orphanet 140162, MedGen C0027672, MeSH D009386, MONDO:0015356.

Submissions (2):

Ambry Genetics
Classification: Uncertain significance for Hereditary cancer-predisposing syndrome. Last evaluated: 2024-12-05. Review status: criteria provided, single submitter. Criteria: Ambry Variant Classification Scheme 2023. Collection method: clinical testing. Allele origin: germline.
Comment: The p.M239V variant (also known as c.715A>G), located in coding exon 8 of the MITF gene, results from an A to G substitution at nucleotide position 715. The methionine at codon 239 is replaced by valine, an amino acid with highly similar properties. This amino acid position is conserved. In addition, this alteration is predicted to be deleterious by in silico analysis. Based on the available evidence, the clinical significance of this variant remains unclear.

Labcorp Genetics (formerly Invitae), Labcorp
Classification: Uncertain significance for Melanoma, cutaneous malignant, susceptibility to, 8; Waardenburg syndrome type 2A; Tietz syndrome. Last evaluated: 2024-06-25. Review status: criteria provided, single submitter. Criteria: Invitae Variant Classification Sherloc (09022015). Collection method: clinical testing. Allele origin: germline.
Comment: This sequence change replaces methionine, which is neutral and non-polar, with valine, which is neutral and non-polar, at codon 239 of the MITF protein (p.Met239Val). This variant is not present in population databases (gnomAD no frequency). This variant has not been reported in the literature in individuals affected with MITF-related conditions. Advanced modeling of protein sequence and biophysical properties (such as structural, functional, and spatial information, amino acid conservation, physicochemical variation, residue mobility, and thermodynamic stability) performed at Invitae indicates that this missense variant is not expected to disrupt MITF protein function with a negative predictive value of 80%. In summary, the available evidence is currently insufficient to determine the role of this variant in disease. Therefore, it has been classified as a Variant of Uncertain Significance.

NM_001354604.2(MITF):c.1036A>G (p.Met346Val)

Gene: MITF (melanocyte inducing transcription factor; plus strand). Cytogenetic location: 3p13.
Variant type: single nucleotide variant.
Coding change: c.1036A>G on transcript NM_001354604.2 (MANE Select); coding-DNA position 1036, A replaced by G.
Protein change: p.Met346Val; replaces methionine 346 with valine.
Molecular consequence: missense variant.
Genome position (GRCh38, 1-based): chr3:69,959,277, A>G. VCF-style: chr3-69959277-A-G. GRCh37 (hg19) VCF-style: chr3-70008428-A-G.
Other names: c.715A>G, p.Met239Val (NM_000248.4); c.862A>G, p.Met288Val (NM_001184967.2, NM_001354608.2); c.1033A>G, p.Met345Val (NM_001354605.2); c.1015A>G, p.Met339Val (NM_001354606.2, NM_006722.3); c.967A>G, p.Met323Val (NM_001354607.2); c.697A>G, p.Met233Val (NM_198158.3); c.1018A>G, p.Met340Val (NM_198159.3); c.970A>G, p.Met324Val (NM_198177.3); and 1 more; short protein forms M177V, M288V, M324V, M346V, M233V, M323V, M339V, M345V.
Identifiers: ClinVar variation 2949959 (VCV002949959.4), dbSNP rs2471654833, ClinGen allele CA353561879.